The following is an entry in ClinVar:

ClinVar aggregate classification (germline): Benign. Review status: criteria provided, multiple submitters, no conflicts (2 of 4 stars). 3 submissions from 3 submitters: Benign (2). 1 of the submissions does not count toward it. Last evaluated 2019-02-27.

Allele frequency attached by ClinVar (database versions not stated): TOPMed 0.07425; gnomAD exomes 0.08185 and 0.11080; ESP Exome Variant Server 0.05886; ExAC 0.11321; 1000 Genomes Project 30x 0.15865; gnomAD 0.06504 and 0.07649; 1000 Genomes Project 0.16873.
gnomAD v4.1: 132,247 of 1,613,476 alleles (8.2%); highest among the groups gnomAD compares: East Asian, 45%; 10,835 homozygotes.

Submissions (3):

GeneDx
Classification: Benign. Last evaluated: 2019-02-27. Review status: criteria provided, single submitter. Criteria: GeneDx Variant Classification Process June 2021. Collection method: clinical testing. Allele origin: germline. Affected: yes.

Breakthrough Genomics
Classification: Benign. Review status: criteria provided, single submitter. Criteria: ACMG Guidelines, 2015. Collection method: not provided. Allele origin: germline. Inheritance: Autosomal dominant inheritance. Affected: yes.

Genetic Services Laboratory, University of Chicago
Classification: Likely benign for AllHighlyPenetrant. Review status: no assertion criteria provided. Collection method: clinical testing. Allele origin: germline. Inheritance: Autosomal dominant inheritance. Not counted in ClinVar's aggregate classification.
Comment: Likely benign based on allele frequency in 1000 Genomes Project or ESP global frequency and its presence in a patient with a rare or unrelated disease phenotype. NOT Sanger confirmed.

NM_004933.3(CDH15):c.109G>T (p.Ala37Ser)

Gene: CDH15 (cadherin 15; plus strand). Cytogenetic location: 16q24.3.
Variant type: single nucleotide variant.
Coding change: c.109G>T on transcript NM_004933.3 (MANE Select); coding-DNA position 109, G replaced by T.
Protein change: p.Ala37Ser; replaces alanine 37 with serine.
Molecular consequence: missense variant.
Genome position (GRCh38, 1-based): chr16:89,179,482, G>T. VCF-style: chr16-89179482-G-T. GRCh37 (hg19) VCF-style: chr16-89245890-G-T.
Other names: short protein forms A37S.
Identifiers: ClinVar variation 128642 (VCV000128642.9), dbSNP rs2287359, ClinGen allele CA152224.
Genomic context (GRCh38, chr16:89,179,482, plus strand): 5'-TGCCTGTCTTTGGGGGTTCCTGGATGGAGGAGGCCCACCACCCTGTACCCCTGGCGCCGG[G>T]CGCCTGCCCTGAGCCGCGTGCGGAGGGCCTGGGTCATCCCCCCGATCAGCGTATCCGAGA-3'
Protein context (NP_004924.1, residues 27-47): RPTTLYPWRR[Ala37Ser]PALSRVRRAW